The following is an entry in ClinVar:

ClinVar aggregate classification (germline): Conflicting classifications of pathogenicity. Review status: criteria provided, conflicting classifications (1 of 4 stars). 5 submissions from 5 submitters: Uncertain significance (3); Benign (1); Likely benign (1). Last evaluated 2025-11-06.

Conditions:
Inborn genetic diseases. Identifiers: MedGen C0950123, MeSH D030342.
Autosomal recessive nonsyndromic hearing loss 79. Identifiers: Orphanet 90636, MedGen C2750082, MONDO:0013215, OMIM 613307.

Allele frequency attached by ClinVar (database versions not stated): gnomAD exomes 0.00020 and 0.00045; gnomAD 0.00025 and 0.00028; TOPMed 0.00026; ExAC 0.00085.
gnomAD v4.1: 356 of 1,560,186 alleles (0.023%); highest among the groups gnomAD compares: Middle Eastern, 0.017%; no homozygotes.

Submissions (5):

GeneDx
Classification: Uncertain significance. Last evaluated: 2025-11-06. Review status: criteria provided, single submitter. Criteria: GeneDx Variant Classification Process June 2021. Collection method: clinical testing. Allele origin: germline. Affected: yes.
Comment: In silico analysis suggests that this missense variant does not alter protein structure/function; Has not been previously published as pathogenic or benign to our knowledge

Labcorp Genetics (formerly Invitae), Labcorp
Classification: Likely benign. Last evaluated: 2025-07-28. Review status: criteria provided, single submitter. Criteria: Invitae Variant Classification Sherloc (09022015). Collection method: clinical testing. Allele origin: germline.

Department of Pathology and Laboratory Medicine, Sinai Health System
Classification: Uncertain significance for Autosomal recessive nonsyndromic hearing loss 79. Last evaluated: 2022-05-27. Review status: criteria provided, single submitter. Criteria: ACMG Guidelines, 2015. Collection method: research. Allele origin: germline.

Ambry Genetics
Classification: Uncertain significance for Inborn genetic diseases. Last evaluated: 2021-06-25. Review status: criteria provided, single submitter. Criteria: Ambry Variant Classification Scheme 2023. Collection method: clinical testing. Allele origin: germline.

ARUP Laboratories, Molecular Genetics and Genomics, ARUP Laboratories
Classification: Benign. Last evaluated: 2017-07-31. Review status: criteria provided, single submitter. Criteria: ARUP Molecular Germline Variant Investigation Process. Collection method: clinical testing. Allele origin: germline.

NM_001128228.3(TPRN):c.1094A>G (p.Gln365Arg)

Gene: TPRN (taperin; minus strand). Cytogenetic location: 9q34.3.
Variant type: single nucleotide variant.
Coding change: c.1094A>G on transcript NM_001128228.3 (MANE Select); coding-DNA position 1094, A replaced by G.
Protein change: p.Gln365Arg; replaces glutamine 365 with arginine.
Molecular consequence: missense variant.
Genome position (GRCh38, 1-based): chr9:137,199,618, T>C on the plus strand (A>G on the coding strand, the complement: TPRN is on the minus strand). VCF-style: chr9-137199618-T-C. GRCh37 (hg19) VCF-style: chr9-140094070-T-C.
Other names: short protein forms Q365R.
Identifiers: ClinVar variation 618440 (VCV000618440.18), dbSNP rs780953179, ClinGen allele CA5362819.